The following is an entry in ClinVar:

NM_000064.4(C3):c.3088G>C (p.Glu1030Gln)

Gene: C3 (complement C3; minus strand). Cytogenetic location: 19p13.3.
Variant type: single nucleotide variant.
Coding change: c.3088G>C on transcript NM_000064.4 (MANE Select); coding-DNA position 3088, G replaced by C.
Protein change: p.Glu1030Gln; replaces glutamic acid 1030 with glutamine.
Molecular consequence: missense variant.
Genome position (GRCh38, 1-based): chr19:6,694,497, C>G on the plus strand (G>C on the coding strand, the complement: C3 is on the minus strand). VCF-style: chr19-6694497-C-G. GRCh37 (hg19) VCF-style: chr19-6694508-C-G.
Other names: short protein forms E1030Q.
Identifiers: ClinVar variation 4280181 (VCV004280181.1).

ClinVar aggregate classification (germline): Uncertain significance (1 of 4 stars; one submission).

Conditions:
Complement component 3 deficiency. Identifiers: Orphanet 280133, MedGen C3151071, MONDO:0013417, OMIM 613779.
C3 glomerulonephritis. Also called: Nephropathy due to CFHR5 Deficiency; C3 GLOMERULOPATHY 3. Identifiers: Orphanet 329931, MedGen C4055342, MONDO:0013892, OMIM 614809.
Atypical hemolytic-uremic syndrome. Identifiers: Orphanet 2134, MedGen C2931788, MONDO:0016244.

Submission:

Genomenon, Inc
Classification: Uncertain significance for Complement component 3 deficiency; C3 glomerulonephritis; Atypical hemolytic-uremic syndrome. Last evaluated: 2025-09-30. Review status: criteria provided, single submitter. Criteria: Genomenon Sequence Variant Interpretation Standards. Collection method: curation. Allele origin: germline. Affected: no.
Comment: C3 p.Glu1030Gln (c.3088G>C) is a missense variant that changes the amino acid at residue 1030 from Glutamic acid to Glutamine. This variant has been reported in the published literature (PMID:11034390;15187133). It is absent or not present at a significant frequency in gnomAD. In silico models agree that this variant is not damaging. In conclusion, we classify C3 p.Glu1030Gln (c.3088G>C) as a variant of unknown significance.

Literature cited by the submitters: PubMed 11034390; PubMed 15187133.